The following is an entry in ClinVar:

NM_001291303.3(FAT4):c.6732G>A (p.Thr2244=)

Gene: FAT4 (FAT atypical cadherin 4; plus strand). Cytogenetic location: 4q28.1.
Variant type: single nucleotide variant.
Coding change: c.6732G>A on transcript NM_001291303.3 (MANE Select); coding-DNA position 6732, G replaced by A.
Protein change: p.Thr2244=; no amino-acid change (threonine 2244 retained).
Molecular consequence: synonymous variant.
Genome position (GRCh38, 1-based): chr4:125,415,695, G>A. VCF-style: chr4-125415695-G-A. GRCh37 (hg19) VCF-style: chr4-126336850-G-A.
Other names: c.6732G>A, p.Thr2244= (NM_001291285.3, NM_024582.6).
Identifiers: ClinVar variation 1532762 (VCV001532762.25), dbSNP rs138078089, ClinGen allele CA3072974.
Genomic context (GRCh38, chr4:125,415,695, plus strand): 5'-CTACCATTTAACTGTTCAGGCAACAGATCGAGGCAGCACACCCAGAACTGATACCTCCAC[G>A]GTCAGCATTGTTCTACTGGATATTAATGACTTTGTTCCTGTATTTGAGCTATCTCCATAT-3'
Protein context (NP_001278232.1, residues 2234-2254): RGSTPRTDTS[Thr2244=]VSIVLLDIND

ClinVar aggregate classification (germline): Likely benign. Review status: criteria provided, multiple submitters, no conflicts (2 of 4 stars). 2 submissions from 2 submitters: Likely benign (2). Last evaluated 2025-12-15.

Allele frequency attached by ClinVar (database versions not stated): TOPMed 0.00005; ESP Exome Variant Server 0.00008; gnomAD 0.00013; 1000 Genomes Project 30x 0.00016.
gnomAD v4.1: 215 of 1,613,884 alleles (0.013%); highest among the groups gnomAD compares: South Asian, 0.075%; 1 homozygote.

Submissions (2):

Labcorp Genetics (formerly Invitae), Labcorp
Classification: Likely benign. Last evaluated: 2025-12-15. Review status: criteria provided, single submitter. Criteria: Invitae Variant Classification Sherloc (09022015). Collection method: clinical testing. Allele origin: germline.

CeGaT Center for Human Genetics Tuebingen
Classification: Likely benign. Last evaluated: 2024-07-01. Review status: criteria provided, single submitter. Criteria: CeGaT Center For Human Genetics Tuebingen Variant Classification Criteria Version 2. Collection method: clinical testing. Allele origin: germline. Affected: yes. Observed: 1 variant allele.
Comment: FAT4: BP4, BP7